The following is an entry in ClinVar:

ClinVar aggregate classification (germline): Pathogenic. Review status: reviewed by expert panel (3 of 4 stars). 6 submissions from 6 submitters: Pathogenic (1). 5 of the submissions do not count toward it. Last evaluated 2016-10-18.

Conditions:
Breast-ovarian cancer, familial, susceptibility to, 2 (BROVCA2). Also called: BRCA2 Hereditary Breast and Ovarian Cancer. Identifiers: Orphanet 145, MedGen C2675520, MONDO:0012933, OMIM 612555. Disease mechanism: loss of function.
Hereditary cancer-predisposing syndrome. Also called: Hereditary neoplastic syndrome; Neoplastic Syndromes, Hereditary; Tumor predisposition; Hereditary Cancer Syndrome. Identifiers: Orphanet 140162, MedGen C0027672, MeSH D009386, MONDO:0015356.
Hereditary breast ovarian cancer syndrome. Also called: BRCA1- and BRCA2-Associated Hereditary Breast and Ovarian Cancer; Hereditary breast and ovarian cancer; Breast and ovarian cancer; Hereditary breast and/or ovarian cancer syndrome; Hereditary breast and ovarian cancer syndrome; Hereditary breast and ovarian cancer syndrome (HBOC). Identifiers: Orphanet 145, MedGen C0677776, MeSH D061325, MONDO:0003582. Disease mechanism: loss of function.

Allele frequency attached by ClinVar (database versions not stated): TOPMed below 0.00001.

Submissions (6):

Evidence-based Network for the Interpretation of Germline Mutant Alleles (ENIGMA)
Classification: Pathogenic for Breast-ovarian cancer, familial, susceptibility to, 2. Last evaluated: 2016-10-18. Review status: reviewed by expert panel. Criteria: ENIGMA BRCA1/2 Classification Criteria (2015). Collection method: curation. Allele origin: germline.
Comment: Variant allele predicted to encode a truncated non-functional protein.

Labcorp Genetics (formerly Invitae), Labcorp
Classification: Pathogenic for Hereditary breast ovarian cancer syndrome. Last evaluated: 2025-03-21. Review status: criteria provided, single submitter. Criteria: Invitae Variant Classification Sherloc (09022015). Collection method: clinical testing. Allele origin: germline. Not counted in ClinVar's aggregate classification.
Comment: This sequence change creates a premature translational stop signal (p.Lys1638*) in the BRCA2 gene. It is expected to result in an absent or disrupted protein product. Loss-of-function variants in BRCA2 are known to be pathogenic (PMID: 20104584). This variant is not present in population databases (gnomAD no frequency). This premature translational stop signal has been observed in individual(s) with a personal and/or family history of breast and/or ovarian cancer (PMID: 29446198). ClinVar contains an entry for this variant (Variation ID: 266837). For these reasons, this variant has been classified as Pathogenic.

Ambry Genetics
Classification: Pathogenic for Hereditary cancer-predisposing syndrome. Last evaluated: 2024-04-22. Review status: criteria provided, single submitter. Criteria: Ambry Variant Classification Scheme 2023. Collection method: clinical testing. Allele origin: germline. Not counted in ClinVar's aggregate classification.
Comment: The p.K1638* pathogenic mutation (also known as c.4912A>T), located in coding exon 10 of the BRCA2 gene, results from an A to T substitution at nucleotide position 4912. This changes the amino acid from a lysine to a stop codon within coding exon 10. This alteration was identified in a large, worldwide study of BRCA1/2 mutation positive families (Rebbeck TR et al. Hum Mutat, 2018 05;39:593-620). This variant is considered to be rare based on population cohorts in the Genome Aggregation Database (gnomAD). In addition to the clinical data presented in the literature, this alteration is expected to result in loss of function by premature protein truncation or nonsense-mediated mRNA decay. As such, this alteration is interpreted as a disease-causing mutation.

Quest Diagnostics Nichols Institute San Juan Capistrano
Classification: Pathogenic. Last evaluated: 2016-11-17. Review status: criteria provided, single submitter. Criteria: Quest Diagnostics criteria. Collection method: clinical testing. Allele origin: germline. Not counted in ClinVar's aggregate classification.

GeneDx
Classification: Pathogenic. Last evaluated: 2016-10-27. Review status: criteria provided, single submitter. Criteria: GeneDx Variant Classification (06012015). Collection method: clinical testing. Allele origin: germline. Affected: yes. Not counted in ClinVar's aggregate classification.
Comment: This variant is denoted BRCA2 c.4912A>T at the cDNA level and p.Lys1638Ter (K1638X) at the protein level. The substitution creates a nonsense variant, which changes a Lysine to a premature stop codon (AAA>TAA), and is predicted to cause loss of normal protein function through either protein truncation or nonsense-mediated mRNA decay. Although this variant has not, to our knowledge, been reported in the literature, it is considered pathogenic.

Consortium of Investigators of Modifiers of BRCA1/2 (CIMBA), c/o University of Cambridge
Classification: Pathogenic for Breast-ovarian cancer, familial, susceptibility to, 2. Last evaluated: 2015-10-02. Review status: criteria provided, single submitter. Criteria: CIMBA Mutation Classification guidelines May 2016. Collection method: clinical testing. Allele origin: germline. Not counted in ClinVar's aggregate classification.

Literature cited by the submitters: PubMed 20104584 (cited by Labcorp Genetics (formerly Invitae), Labcorp); PubMed 29446198 (cited by Labcorp Genetics (formerly Invitae), Labcorp and Ambry Genetics).

NM_000059.4(BRCA2):c.4912A>T (p.Lys1638Ter)

Gene: BRCA2 (BRCA2 DNA repair associated; plus strand). Cytogenetic location: 13q13.1.
Variant type: single nucleotide variant.
Coding change: c.4912A>T on transcript NM_000059.4 (MANE Select); coding-DNA position 4912, A replaced by T.
Protein change: p.Lys1638Ter; replaces lysine 1638 with a stop codon.
Molecular consequence: nonsense.
Genome position (GRCh38, 1-based): chr13:32,339,267, A>T. VCF-style: chr13-32339267-A-T. GRCh37 (hg19) VCF-style: chr13-32913404-A-T.
Other names: 5140A>T(K1638X); short protein forms K1638*.
Identifiers: ClinVar variation 266837 (VCV000266837.14), dbSNP rs886040553, ClinGen allele CA10589276.